The following is an entry in ClinVar:

NM_001923.5(DDB1):c.3112+5G>T

Gene: DDB1 (damage specific DNA binding protein 1; minus strand). Cytogenetic location: 11q12.2.
Variant type: single nucleotide variant.
Coding change: c.3112+5G>T on transcript NM_001923.5 (MANE Select); 5 bases into the intron after coding-DNA position 3112, G replaced by T.
Molecular consequence: intron variant.
Genome position (GRCh38, 1-based): chr11:61,302,577, C>A on the plus strand (G>T on the coding strand, the complement: DDB1 is on the minus strand). VCF-style: chr11-61302577-C-A. GRCh37 (hg19) VCF-style: chr11-61070049-C-A.
Other names: NC_000011.9:g.61070049C>A.
Identifiers: ClinVar variation 4372992 (VCV004372992.7).

ClinVar aggregate classification (germline): Benign (1 of 4 stars; one submission).

gnomAD v4.1: 663 of 1,614,138 alleles (0.041%); highest among the groups gnomAD compares: African/African-American, 0.69%; 5 homozygotes.

Submissions (2):

CeGaT Center for Human Genetics Tuebingen
Classification: Benign. Last evaluated: 2025-10-01. Review status: criteria provided, single submitter. Criteria: CeGaT Center For Human Genetics Tuebingen Variant Classification Criteria Version 2. Collection method: clinical testing. Allele origin: germline. Affected: yes. Observed: 1 variant allele.
Comment: DDB1: BP4, BS1, BS2

Dr. Peter K. Rogan Lab, Western University
No classification provided (evidence only). Condition: Colon adenocarcinoma. Review status: no classification provided. Collection method: in vitro. Allele origin: not applicable. Functional consequence: retained intron. Not counted in ClinVar's aggregate classification.